The following is an entry in ClinVar:

NM_001754.5(RUNX1):c.444C>T (p.Thr148=)

Genes: RUNX1 (RUNX family transcription factor 1; minus strand), RUNX1-AS1 (RUNX1 antisense RNA 1; plus strand). Cytogenetic location: 21q22.12.
Variant type: single nucleotide variant.
Coding change: c.444C>T on transcript NM_001754.5 (MANE Select); coding-DNA position 444, C replaced by T.
Protein change: p.Thr148=; no amino-acid change (threonine 148 retained).
Molecular consequence: synonymous variant.
Genome position (GRCh38, 1-based): chr21:34,880,621, G>A on the plus strand (C>T on the coding strand, the complement: RUNX1 is on the minus strand). VCF-style: chr21-34880621-G-A. GRCh37 (hg19) VCF-style: chr21-36252918-G-A.
Other names: NM_001754.4(RUNX1):c.444C>T; NM_001754.5(RUNX1):c.444C>T; c.363C>T, p.Thr121= (NM_001001890.3, NM_001122607.2).
Identifiers: ClinVar variation 339877 (VCV000339877.19), dbSNP rs773689002, ClinGen allele CA10014514.

ClinVar aggregate classification (germline): Likely benign. Review status: reviewed by expert panel (3 of 4 stars). 7 submissions from 7 submitters: Likely benign (1). 6 of the submissions do not count toward it. Last evaluated 2025-03-26.

Conditions:
Inborn genetic diseases. Identifiers: MedGen C0950123, MeSH D030342.
Hereditary cancer-predisposing syndrome. Also called: Neoplastic Syndromes, Hereditary; Tumor predisposition; Hereditary Cancer Syndrome; Hereditary neoplastic syndrome. Identifiers: Orphanet 140162, MedGen C0027672, MeSH D009386, MONDO:0015356.
RUNX1-related disorder. Also called: RUNX1-related condition.
Hereditary thrombocytopenia and hematologic cancer predisposition syndrome. Identifiers: Orphanet 71290, MedGen CN281654, MONDO:0011071.
Hereditary thrombocytopenia and hematological cancer predisposition syndrome associated with RUNX1. Also called: Familial Platelet Disorder with Propensity to Acute Myelogenous Leukemia; Familial thrombocytopenia with propensity to acute myelogenous leukemia; PLATELET DISORDER, ASPIRIN-LIKE; RUNX1 Familial Platelet Disorder with Associated Myeloid Malignancies. Identifiers: Orphanet 71290, MedGen C1832388, MeSH C563324, MONDO:0100083, OMIM 601399.

Allele frequency attached by ClinVar (database versions not stated): gnomAD 0.00002 and 0.00003; TOPMed 0.00004; gnomAD exomes 0.00006; ExAC 0.00007.
gnomAD v4.1: 124 of 1,614,052 alleles (0.0077%); highest among the groups gnomAD compares: Non-Finnish European, 0.009%; no homozygotes.

Submissions (7):

ClinGen Myeloid Malignancy Variant Curation Expert Panel
Classification: Likely benign for Hereditary thrombocytopenia and hematologic cancer predisposition syndrome. Last evaluated: 2025-03-26. Review status: reviewed by expert panel. Criteria: ClinGen MyeloMalig ACMG Specifications v2. Collection method: curation. Allele origin: germline. Inheritance: Autosomal dominant inheritance.
Comment: NM_001754.5(RUNX1):c.444C>T (p.Thr148=) is a synonymous variant which has a SpliceAI score of 0.00 and a PhyloP score of -6.58, indicating no predicted impact on splicing and lack of conservation (BP4, BP7). This variant is present in gnomAD but not at an elevated frequency, so no population codes were applied. In summary, this variant meets criteria to be classified as likely benign. ACMG/AMP criteria applied, as specified by the Myeloid Malignancy Variant Curation Expert Panel for RUNX1: BP4, BP7.

Labcorp Genetics (formerly Invitae), Labcorp
Classification: Likely benign for Hereditary thrombocytopenia and hematological cancer predisposition syndrome associated with RUNX1. Last evaluated: 2025-11-02. Review status: criteria provided, single submitter. Criteria: Invitae Variant Classification Sherloc (09022015). Collection method: clinical testing. Allele origin: germline. Not counted in ClinVar's aggregate classification.

Ambry Genetics
Classification: Likely benign for Inborn genetic diseases. Last evaluated: 2024-12-12. Review status: criteria provided, single submitter. Criteria: Ambry Variant Classification Scheme 2023. Collection method: clinical testing. Allele origin: germline. Not counted in ClinVar's aggregate classification.

Blueprint Genetics
Classification: Likely benign. Last evaluated: 2024-02-08. Review status: criteria provided, single submitter. Criteria: ACMG Guidelines, 2015. Collection method: clinical testing. Allele origin: germline. Not counted in ClinVar's aggregate classification.

Sema4
Classification: Likely benign for Hereditary cancer-predisposing syndrome. Last evaluated: 2021-04-16. Review status: criteria provided, single submitter. Criteria: Sema4 Curation Guidelines. Collection method: curation. Allele origin: germline. Not counted in ClinVar's aggregate classification.

Illumina Laboratory Services, Illumina
Classification: Likely benign for Hereditary thrombocytopenia and hematological cancer predisposition syndrome associated with RUNX1. Last evaluated: 2018-01-12. Review status: criteria provided, single submitter. Criteria: ICSL Variant Classification Criteria 13 December 2019. Collection method: clinical testing. Allele origin: germline. Not counted in ClinVar's aggregate classification.
Comment: This variant was observed in the ICSL laboratory as part of a predisposition screen in an ostensibly healthy population. It had not been previously curated by ICSL or reported in the Human Gene Mutation Database (HGMD: prior to June 1st, 2018), and was therefore a candidate for classification through an automated scoring system. Utilizing variant allele frequency, disease prevalence and penetrance estimates, and inheritance mode, an automated score was calculated to assess if this variant is too frequent to cause the disease. Based on the score and internal cut-off values, a variant classified as likely benign is not then subjected to further curation. The score for this variant resulted in a classification of likely benign for this disease.

PreventionGenetics, part of Exact Sciences
Classification: Likely benign for RUNX1-related condition. Last evaluated: 2022-04-04. Review status: no assertion criteria provided. Collection method: clinical testing. Allele origin: germline. Not counted in ClinVar's aggregate classification.
Comment: This variant is classified as likely benign based on ACMG/AMP sequence variant interpretation guidelines (Richards et al. 2015 PMID: 25741868, with internal and published modifications).